The following is an entry in ClinVar:

ClinVar aggregate classification (germline): Pathogenic (1 of 4 stars; one submission).

Submission:

Labcorp Genetics (formerly Invitae), Labcorp
Classification: Pathogenic. Last evaluated: 2022-10-04. Review status: criteria provided, single submitter. Criteria: Invitae Variant Classification Sherloc (09022015). Collection method: clinical testing. Allele origin: germline.
Comment: For these reasons, this variant has been classified as Pathogenic. Algorithms developed to predict the effect of sequence changes on RNA splicing suggest that this variant may disrupt the consensus splice site. Disruption of this splice site has been observed in individual(s) with oculocutaneous albinism (PMID: 20426782). This variant is not present in population databases (gnomAD no frequency). This sequence change affects an acceptor splice site in intron 9 of the OCA2 gene. It is expected to disrupt RNA splicing. Variants that disrupt the donor or acceptor splice site typically lead to a loss of protein function (PMID: 16199547), and loss-of-function variants in OCA2 are known to be pathogenic (PMID: 19865097, 21541274).

Literature cited by the submitters: PubMed 20426782; PubMed 16199547; PubMed 19865097; PubMed 21541274.

NM_000275.3(OCA2):c.1045-2A>G

Gene: OCA2 (OCA2 melanosomal transmembrane protein; minus strand). Cytogenetic location: 15q13.1.
Variant type: single nucleotide variant.
Coding change: c.1045-2A>G on transcript NM_000275.3 (MANE Select); the canonical splice acceptor site of the intron before coding-DNA position 1045, A replaced by G.
Molecular consequence: splice acceptor variant. On other transcripts: intron variant (1).
Genome position (GRCh38, 1-based): chr15:27,990,649, T>C on the plus strand (A>G on the coding strand, the complement: OCA2 is on the minus strand). VCF-style: chr15-27990649-T-C. GRCh37 (hg19) VCF-style: chr15-28235795-T-C.
Other names: c.1045-983A>G (NM_001300984.2).
Identifiers: ClinVar variation 2137636 (VCV002137636.4), dbSNP rs2041526018, ClinGen allele CA391362494.